The following is an entry in ClinVar:

NM_000038.6(APC):c.646-58_646-16dup

Gene: APC (APC regulator of Wnt signaling pathway; plus strand). Cytogenetic location: 5q22.2.
Variant type: Duplication.
Coding change: c.646-58_646-16dup on transcript NM_000038.6 (MANE Select); 58 bases into the intron before coding-DNA position 646 through 16 bases into the intron before coding-DNA position 646, 43 bases duplicated.
Molecular consequence: intron variant.
Genome position (GRCh38, 1-based): chr5:112,792,388-112,792,430, 43 bases duplicated; duplicating any 43 consecutive bases within chr5:112,792,386-112,792,430 gives the same sequence; the c. name uses the placement nearest the transcript's 3' end. GRCh37 (hg19): chr5:112,128,085-112,128,127.
Other names: c.469-58_469-16dup (NM_001354901.2, NM_001354905.2, NM_001407453.1 and 1 more transcripts); c.-390-58_-390-16dup (NM_001407470.1, NM_001407472.1, NM_001354906.2 and 1 more transcripts); c.646-58_646-16dup (NM_001407447.1, NM_001354895.2, NM_001407456.1 and 12 more transcripts); c.646-8891_646-8849dup (NM_001407452.1, NM_001407469.1, NM_001354899.2 and 1 more transcripts); c.676-58_676-16dup (NM_001407446.1, NM_001354897.2, NM_001354902.2); c.676-8891_676-8849dup (NM_001127511.3); c.571-58_571-16dup (NM_001407451.1, NM_001354898.2, NM_001354904.2).
Identifiers: ClinVar variation 3148737 (VCV003148737.1), dbSNP rs2532629688, ClinGen allele CA2825001305.
Genomic context (GRCh38, chr5:112,792,385, plus strand): 5'-GCTTTTTAAATGAGAATGATTTGACATAACCCTGAGCTTTTAAGTGGTAGCCATAGTATG[A>ATTATTTCTATTAATATTATTAATAAAAACATAACTAATTAGGT]TTATTTCTATTAATATTATTAATAAAAACATAACTAATTAGGTTTCTTGTTTTATTTTAG-3'

ClinVar aggregate classification (germline): Benign (1 of 4 stars; one submission).

Conditions:
Familial adenomatous polyposis 1 (FAP1). Also called: POLYPOSIS, ADENOMATOUS INTESTINAL; FAMILIAL ADENOMATOUS POLYPOSIS 1, ATTENUATED. Identifiers: MedGen C2713442, MONDO:0021056, OMIM 175100. Disease mechanism: loss of function.

Submission:

Myriad Genetics, Inc.
Classification: Benign for Familial adenomatous polyposis 1. Last evaluated: 2024-02-26. Review status: criteria provided, single submitter. Criteria: Myriad Autosomal Dominant, Autosomal Recessive and X-Linked Classification Criteria (2023). Collection method: clinical testing. Allele origin: unknown.
Comment: This variant is considered benign. This variant is intronic and is not expected to impact mRNA splicing.